The following is an entry in ClinVar:

ClinVar aggregate classification (germline): Uncertain significance (1 of 4 stars; one submission).

Submission:

Labcorp Genetics (formerly Invitae), Labcorp
Classification: Uncertain significance. Last evaluated: 2024-07-06. Review status: criteria provided, single submitter. Criteria: Invitae Variant Classification Sherloc (09022015). Collection method: clinical testing. Allele origin: germline.
Comment: This sequence change creates a premature translational stop signal (p.His432Alafs*2) in the MMP9 gene. It is expected to result in an absent or disrupted protein product. However, the current clinical and genetic evidence is not sufficient to establish whether loss-of-function variants in MMP9 cause disease. This variant is present in population databases (rs768099775, gnomAD 0.004%). This variant has not been reported in the literature in individuals affected with MMP9-related conditions. In summary, the available evidence is currently insufficient to determine the role of this variant in disease. Therefore, it has been classified as a Variant of Uncertain Significance.

NM_004994.3(MMP9):c.1290dup (p.His432fs)

Gene: MMP9 (matrix metallopeptidase 9; plus strand). Cytogenetic location: 20q13.12.
Variant type: Duplication.
Coding change: c.1290dup on transcript NM_004994.3 (MANE Select); coding-DNA position 1290, one base duplicated (C; older notation c.1290dupC).
Protein change: p.His432fs; shifts the reading frame from histidine 432.
Molecular consequence: frameshift variant.
Genome position (GRCh38, 1-based): chr20:46,012,542, C duplicated; the last of 6 consecutive C bases (chr20:46,012,537-46,012,542); duplicating any one gives the same sequence. VCF-style (leftmost placement, unchanged base first): chr20-46012536-G-GC. GRCh37 (hg19) VCF-style: chr20-44641175-G-GC.
Other names: short protein forms H432fs.
Identifiers: ClinVar variation 3000904 (VCV003000904.3), dbSNP rs768099775, ClinGen allele CA9886690.